The following is an entry in ClinVar:

ClinVar aggregate classification (germline): Pathogenic (1 of 4 stars; one submission).

Conditions:
Primary ciliary dyskinesia. Also called: Ciliary dyskinesia. Identifiers: Orphanet 244, MedGen C0008780, MONDO:0016575, HP:0012265.

Submission:

Labcorp Genetics (formerly Invitae), Labcorp
Classification: Pathogenic for Primary ciliary dyskinesia. Last evaluated: 2022-11-23. Review status: criteria provided, single submitter. Criteria: Invitae Variant Classification Sherloc (09022015). Collection method: clinical testing. Allele origin: germline.
Comment: For these reasons, this variant has been classified as Pathogenic. This variant has not been reported in the literature in individuals affected with RPGR-related conditions. This variant is not present in population databases (gnomAD no frequency). This sequence change creates a premature translational stop signal (p.Glu540Lysfs*14) in the RPGR gene. It is expected to result in an absent or disrupted protein product. Loss-of-function variants in RPGR are known to be pathogenic (PMID: 16055928, 16969763).

Literature cited by the submitters: PubMed 16055928; PubMed 16969763.

NM_001034853.2(RPGR):c.1617del (p.Glu540fs)

Gene: RPGR (retinitis pigmentosa GTPase regulator; minus strand). Cytogenetic location: Xp11.4.
Variant type: Deletion.
Coding change: c.1617del on transcript NM_001034853.2 (MANE Select); coding-DNA position 1617, one base deleted (T; older notation c.1617delT).
Protein change: p.Glu540fs; shifts the reading frame from glutamic acid 540.
Molecular consequence: frameshift variant. On other transcripts: non-coding transcript variant (1), intron variant (5).
Genome position (GRCh38, 1-based): chrX:38,287,997, A deleted on the plus strand (T on the coding strand, the reverse complement: RPGR is on the minus strand). VCF-style (leftmost placement, unchanged base first): chrX-38287996-CA-C. GRCh37 (hg19) VCF-style: chrX-38147249-CA-C.
Other names: c.1617del, p.Glu540fs (NM_000328.3); c.1614del, p.Glu539fs (NM_001367245.1); c.1431del, p.Glu478fs (NM_001367246.1); c.1569+2962del (NM_001367249.1, NM_001367250.1); c.1386+2962del (NM_001367251.1); c.1572+2962del (NM_001367247.1); c.1602+2962del (NM_001367248.1); short protein forms E539fs, E478fs, E540fs.
Identifiers: ClinVar variation 2815649 (VCV002815649.3), dbSNP rs2519798732, ClinGen allele CA2739273397.